The following is an entry in ClinVar:

ClinVar aggregate classification (germline): Uncertain significance (1 of 4 stars; one submission).

Submission:

GeneDx
Classification: Uncertain significance. Last evaluated: 2019-08-27. Review status: criteria provided, single submitter. Criteria: GeneDx Variant Classification Process June 2021. Collection method: clinical testing. Allele origin: germline. Affected: yes.
Comment: Has not been previously published as pathogenic or benign to our knowledge; Not observed in large population cohorts (Lek et al., 2016); In silico analysis, which includes protein predictors and evolutionary conservation, supports a deleterious effect

NM_001378183.1(PIEZO2):c.6887A>G (p.Tyr2296Cys)

Gene: PIEZO2 (piezo type mechanosensitive ion channel component 2; minus strand). Cytogenetic location: 18p11.22.
Variant type: single nucleotide variant.
Coding change: c.6887A>G on transcript NM_001378183.1 (MANE Select); coding-DNA position 6887, A replaced by G.
Protein change: p.Tyr2296Cys; replaces tyrosine 2296 with cysteine.
Molecular consequence: missense variant.
Genome position (GRCh38, 1-based): chr18:10,696,480, T>C on the plus strand (A>G on the coding strand, the complement: PIEZO2 is on the minus strand). VCF-style: chr18-10696480-T-C. GRCh37 (hg19) VCF-style: chr18-10696478-T-C.
Other names: c.6548A>G, p.Tyr2183Cys (NM_022068.4); short protein forms Y2183C, Y2296C.
Identifiers: ClinVar variation 1308163 (VCV001308163.2), dbSNP rs2143685640, ClinGen allele CA401919116.